The following is an entry in ClinVar:

ClinVar aggregate classification (germline): Uncertain significance (1 of 4 stars; one submission).

Conditions:
Pontocerebellar hypoplasia type 9. Identifiers: Orphanet 369920, MedGen C4014354, MONDO:0014351, OMIM 615809.
Hereditary spastic paraplegia 63. Also called: Spastic paraplegia 63, autosomal recessive. Identifiers: Orphanet 401805, MedGen C3810295, MONDO:0014305, OMIM 615686.

Allele frequency attached by ClinVar (database versions not stated): gnomAD exomes below 0.00001.
gnomAD v4.1: 1 of 1,614,142 alleles (0.000062%); highest among the groups gnomAD compares: Non-Finnish European, 0.000085%; no homozygotes.

Submission:

Labcorp Genetics (formerly Invitae), Labcorp
Classification: Uncertain significance for Pontocerebellar hypoplasia type 9; Hereditary spastic paraplegia 63. Last evaluated: 2025-10-02. Review status: criteria provided, single submitter. Criteria: Invitae Variant Classification Sherloc (09022015). Collection method: clinical testing. Allele origin: germline.
Comment: This sequence change replaces glutamine, which is neutral and polar, with arginine, which is basic and polar, at codon 195 of the AMPD2 protein (p.Gln195Arg). This variant is not present in population databases (gnomAD no frequency). This variant has not been reported in the literature in individuals affected with AMPD2-related conditions. ClinVar contains an entry for this variant (Variation ID: 1467174). An algorithm developed to predict the effect of missense changes on protein structure and function (PolyPhen-2) suggests that this variant is likely to be tolerated. In summary, the available evidence is currently insufficient to determine the role of this variant in disease. Therefore, it has been classified as a Variant of Uncertain Significance.

NM_001368809.2(AMPD2):c.422A>G (p.Gln141Arg)

Gene: AMPD2 (adenosine monophosphate deaminase 2; plus strand). Cytogenetic location: 1p13.3.
Variant type: single nucleotide variant.
Coding change: c.422A>G on transcript NM_001368809.2 (MANE Select); coding-DNA position 422, A replaced by G.
Protein change: p.Gln141Arg; replaces glutamine 141 with arginine.
Molecular consequence: missense variant.
Genome position (GRCh38, 1-based): chr1:109,626,228, A>G. VCF-style: chr1-109626228-A-G. GRCh37 (hg19) VCF-style: chr1-110168850-A-G.
Other names: c.230A>G, p.Gln77Arg (NM_001257361.2); c.359A>G, p.Gln120Arg (NM_001308170.1); c.422A>G, p.Gln141Arg (NM_004037.9); c.341A>G, p.Gln114Arg (NM_139156.4); short protein forms Q114R, Q141R, Q77R, Q120R.
Identifiers: ClinVar variation 1467174 (VCV001467174.8), dbSNP rs2101156801, ClinGen allele CA341555045.
Genomic context (GRCh38, chr1:109,626,228, plus strand): 5'-CAGACATCCTGCTTCGGGCCAAGCAAGATTTCCTGAAGACGGACAGTGACTCGGACCTAC[A>G]GTGAGGAGGGCAGAGGGGCACAGGGGATGCGGAGCTGCAGCCTGCCCTTCTGCCGGCTCT-3'
Protein context (NP_001355738.1, residues 131-151): FLKTDSDSDL[Gln141Arg]LYKEQGEGQG